The following is an entry in ClinVar:

NM_000204.5(CFI):c.1071T>G (p.Ile357Met)

Gene: CFI (complement factor I; minus strand). Cytogenetic location: 4q25.
Variant type: single nucleotide variant.
Coding change: c.1071T>G on transcript NM_000204.5 (MANE Select); coding-DNA position 1071, T replaced by G.
Protein change: p.Ile357Met; replaces isoleucine 357 with methionine.
Molecular consequence: missense variant. On other transcripts: non-coding transcript variant (3).
Genome position (GRCh38, 1-based): chr4:109,749,295, A>C on the plus strand (T>G on the coding strand, the complement: CFI is on the minus strand). VCF-style: chr4-109749295-A-C. GRCh37 (hg19) VCF-style: chr4-110670451-A-C.
Other names: p.Ile357Met; c.1095T>G, p.Ile365Met (NM_001318057.2, NM_001375278.1); c.1050T>G, p.Ile350Met (NM_001331035.2, NM_001375280.1, NM_001375282.1); c.1071T>G, p.Ile357Met (NM_001375279.1, NM_001375281.1); c.1014T>G, p.Ile338Met (NM_001375283.1); c.462T>G, p.Ile154Met (NM_001375284.1); short protein forms I338M, I357M, I154M, I350M, I365M.
Identifiers: ClinVar variation 1471199 (VCV001471199.15), dbSNP rs200881135, ClinGen allele CA3042018.

ClinVar aggregate classification (germline): Conflicting classifications of pathogenicity. Review status: criteria provided, conflicting classifications (1 of 4 stars). 7 submissions from 7 submitters: Pathogenic (1); Likely pathogenic (4); Uncertain significance (2). Last evaluated 2026-09-17.

Conditions:
Atypical hemolytic-uremic syndrome. Identifiers: Orphanet 2134, MedGen C2931788, MONDO:0016244.
CFI-related disorder. Also called: CFI-related condition; CFI-related disorders. Identifiers: MedGen CN239325.

Allele frequency attached by ClinVar (database versions not stated): ExAC 0.00003; gnomAD 0.00003; TOPMed 0.00004; 1000 Genomes Project 30x 0.00016; 1000 Genomes Project 0.00020.
gnomAD v4.1: 105 of 1,614,074 alleles (0.0065%); highest among the groups gnomAD compares: Middle Eastern, 0.033%; no homozygotes.

Submissions (7):

Genomenon, Inc
Classification: Pathogenic for CFI-related disorder. Last evaluated: 2026-09-17. Review status: criteria provided, single submitter. Criteria: Genomenon Sequence Variant Interpretation Standards - Updated. Collection method: curation. Allele origin: germline. Affected: yes.
Comment: CFI p.Ile357Met (c.1071T>G) is a missense variant that changes the amino acid at codon 357 from Isoleucine to Methionine. This variant has been observed in at least one proband affected with a CFI-related disorder (PMID:35720299;33387344;20595690;28840254;37466676;32510551;20106822;23307876;23431077;28858176;22410797;19065647). At least one functional study has demonstrated a substantial alteration in protein function relative to the wild-type (PMID:35720299;19065647;32510551). This variant is located in a mutational hotspot and/or important functional domain. It is absent or not present at a significant frequency in gnomAD. In silico models predict that this variant is possibly or probably damaging. In conclusion, we classify CFI p.Ile357Met (c.1071T>G) as a pathogenic variant.

Mayo Clinic Laboratories, Mayo Clinic
Classification: Likely pathogenic. Last evaluated: 2025-10-16. Review status: criteria provided, single submitter. Criteria: ACMG Guidelines, 2015. Collection method: clinical testing. Allele origin: germline. Observed: 1 variant allele.
Comment: PP3_moderate, PM3, PS3_moderate, PS4_moderate

Dasa
Classification: Likely pathogenic. Last evaluated: 2025-01-16. Review status: criteria provided, single submitter. Criteria: DASA Assertion Criteria. Collection method: clinical testing. Allele origin: germline.
Comment: NM_000204.5(CFI):c.1071T>G (p.Ile357Met) is a missense variant that results in the substitution of isoleucine with methionine. Segregation data support an association with disease in the reported family/families (PMID: 19065647; PMID: 29292855; PMID: 31517156). This variant has been recurrently observed in individuals with CFI-related disorders (PMID: 19065647; PMID: 29292855; PMID: 31517156). Functional evidence supports an impact on the gene or gene product. Also, this variant is rare in population databases. Computational evidence supports a deleterious effect. Based on the currently available evidence, this variant is classified as likely pathogenic.

Labcorp Genetics (formerly Invitae), Labcorp
Classification: Uncertain significance. Last evaluated: 2024-11-29. Review status: criteria provided, single submitter. Criteria: Invitae Variant Classification Sherloc (09022015). Collection method: clinical testing. Allele origin: germline.
Comment: This sequence change replaces isoleucine, which is neutral and non-polar, with methionine, which is neutral and non-polar, at codon 357 of the CFI protein (p.Ile357Met). This variant is present in population databases (rs200881135, gnomAD 0.005%). This missense change has been observed in individual(s) with clinical features of CFI-related conditions (PMID: 19065647, 23431077, 29292855, 31517156, 34748552, 35720299, 37466676). This variant is also known as I339M. ClinVar contains an entry for this variant (Variation ID: 1471199). Invitae Evidence Modeling of protein sequence and biophysical properties (such as structural, functional, and spatial information, amino acid conservation, physicochemical variation, residue mobility, and thermodynamic stability) indicates that this missense variant is expected to disrupt CFI protein function with a positive predictive value of 80%. Experimental studies have shown that this missense change affects CFI function (PMID: 35720299). In summary, the available evidence is currently insufficient to determine the role of this variant in disease. Therefore, it has been classified as a Variant of Uncertain Significance.

Women's Health and Genetics/Laboratory Corporation of America, LabCorp
Classification: Uncertain significance. Last evaluated: 2023-11-28. Review status: criteria provided, single submitter. Criteria: LabCorp Variant Classification Summary - May 2015. Collection method: clinical testing. Allele origin: germline.
Comment: Variant summary: CFI c.1071T>G (p.Ile357Met) results in a conservative amino acid change located in the Serine proteases, trypsin domain (IPR001254) of the encoded protein sequence. Four of five in-silico tools predict a damaging effect of the variant on protein function. The variant allele was found at a frequency of 3.6e-05 in 251450 control chromosomes. The available data on variant occurrences in the general population are insufficient to allow any conclusion about variant significance. c.1071T>G has been reported in the literature as a homozygous or heterozygous genotype along with other variants in CFI (phase not specified) and/or in other genes in individuals affected with Complement Factor I Deficiency or atypical hemolytic uremic syndrome (aHUS) (example, Nisson_2009, Breslin_2013, Boudhabhay_2019, Jiajla_2019, Connaughton_2023). These report(s) do not provide unequivocal conclusions about association of the variant with Complement Factor I Deficiency or atypical hemolytic uremic syndrome (aHUS). At least one publication reports experimental evidence evaluating an impact on protein function, however, does not allow convincing conclusions about the variant effect due to minute levels of expression of this recombinant mutant protein, precluding further analysis (Nisson_2009). The following publications have been ascertained in the context of this evaluation (PMID: 31517156, 23431077, 37466676, 29292855, 19065647). Two submitters have cited clinical-significance assessments for this variant to ClinVar after 2014. One submitter classified the variant as likely pathogenic and one submitter classified the variant as uncertain significance. Based on the evidence outlined above, the variant was classified as uncertain significance.

Blueprint Genetics
Classification: Likely pathogenic for CFI-related disorders. Last evaluated: 2023-02-21. Review status: criteria provided, single submitter. Criteria: ACMG Guidelines, 2015. Collection method: clinical testing. Allele origin: germline. Affected: yes. Observed: 5 variant alleles.

Genome Diagnostics Laboratory, The Hospital for Sick Children
Classification: Likely pathogenic for Atypical hemolytic-uremic syndrome. Last evaluated: 2021-03-16. Review status: criteria provided, single submitter. Criteria: ACMG Guidelines, 2015. Collection method: clinical testing. Allele origin: germline.

Literature cited by the submitters: PubMed 35720299 (cited by 3 submitters); PubMed 33387344 (cited by Genomenon, Inc); PubMed 20595690 (cited by Genomenon, Inc); PubMed 28840254 (cited by Genomenon, Inc); PubMed 37466676 (cited by 4 submitters); PubMed 32510551 (cited by Genomenon, Inc and Mayo Clinic Laboratories, Mayo Clinic); PubMed 20106822 (cited by Genomenon, Inc); PubMed 23307876 (cited by Genomenon, Inc); PubMed 23431077 (cited by 4 submitters); PubMed 28858176 (cited by Genomenon, Inc); PubMed 22410797 (cited by Genomenon, Inc and Mayo Clinic Laboratories, Mayo Clinic); PubMed 19065647 (cited by 5 submitters); PubMed 29292855 (cited by 4 submitters); PubMed 31517156 (cited by 4 submitters); PubMed 34169201 (cited by Mayo Clinic Laboratories, Mayo Clinic); PubMed 34748552 (cited by Mayo Clinic Laboratories, Mayo Clinic and Labcorp Genetics (formerly Invitae), Labcorp); PubMed 38423159 (cited by Mayo Clinic Laboratories, Mayo Clinic); PubMed 38852887 (cited by Mayo Clinic Laboratories, Mayo Clinic); PubMed 40895567 (cited by Mayo Clinic Laboratories, Mayo Clinic).